The following is an entry in ClinVar:

NM_025137.4(SPG11):c.6790C>G (p.Leu2264Val)

Gene: SPG11 (SPG11 vesicle trafficking associated, spatacsin; minus strand). Cytogenetic location: 15q21.1.
Variant type: single nucleotide variant.
Coding change: c.6790C>G on transcript NM_025137.4 (MANE Select); coding-DNA position 6790, C replaced by G.
Protein change: p.Leu2264Val; replaces leucine 2264 with valine.
Molecular consequence: missense variant.
Genome position (GRCh38, 1-based): chr15:44,566,270, G>C on the plus strand (C>G on the coding strand, the complement: SPG11 is on the minus strand). VCF-style: chr15-44566270-G-C. GRCh37 (hg19) VCF-style: chr15-44858468-G-C.
Other names: c.6451C>G, p.Leu2151Val (NM_001160227.2); short protein forms L2151V, L2264V.
Identifiers: ClinVar variation 1002683 (VCV001002683.7), dbSNP rs1264367885, ClinGen allele CA392213806.

ClinVar aggregate classification (germline): Uncertain significance. Review status: criteria provided, multiple submitters, no conflicts (2 of 4 stars). 2 submissions from 2 submitters: Uncertain significance (2). Last evaluated 2022-12-06.

Conditions:
Hereditary spastic paraplegia 11. Also called: Spastic Paraplegia 11; SPASTIC PARAPLEGIA, AUTOSOMAL RECESSIVE, COMPLICATED, WITH THIN CORPUS CALLOSUM; SPASTIC PARAPLEGIA, AUTOSOMAL RECESSIVE, WITH MENTAL IMPAIRMENT AND THIN CORPUS CALLOSUM; Nakamura Osame syndrome; Autosomal recessive hereditary spastic paraplegia, mental impairment, and thin corpus callosum; Spastic paraplegia, mental retardation and thin corpus callosum. Identifiers: Orphanet 2822, MedGen C1858479, MONDO:0011445, OMIM 604360.

Allele frequency attached by ClinVar (database versions not stated): gnomAD exomes below 0.00001; gnomAD 0.00001; TOPMed 0.00002.
gnomAD v4.1: 4 of 1,614,112 alleles (0.00025%); highest among the groups gnomAD compares: South Asian, 0.0011%; no homozygotes.

Submissions (2):

GeneDx
Classification: Uncertain significance. Last evaluated: 2022-12-06. Review status: criteria provided, single submitter. Criteria: GeneDx Variant Classification Process June 2021. Collection method: clinical testing. Allele origin: germline. Affected: yes.
Comment: Not observed at significant frequency in large population cohorts (gnomAD); In silico analysis supports that this missense variant does not alter protein structure/function; Has not been previously published as pathogenic or benign to our knowledge

Labcorp Genetics (formerly Invitae), Labcorp
Classification: Uncertain significance for Hereditary spastic paraplegia 11. Last evaluated: 2021-08-27. Review status: criteria provided, single submitter. Criteria: Invitae Variant Classification Sherloc (09022015). Collection method: clinical testing. Allele origin: germline.
Comment: This sequence change replaces leucine with valine at codon 2264 of the SPG11 protein (p.Leu2264Val). The leucine residue is highly conserved and there is a small physicochemical difference between leucine and valine. This variant is not present in population databases (ExAC no frequency). This variant has not been reported in the literature in individuals affected with SPG11-related conditions. Algorithms developed to predict the effect of missense changes on protein structure and function (SIFT, PolyPhen-2, Align-GVGD) all suggest that this variant is likely to be disruptive. In summary, the available evidence is currently insufficient to determine the role of this variant in disease. Therefore, it has been classified as a Variant of Uncertain Significance.